The following is an entry in ClinVar:

ClinVar aggregate classification (germline): Uncertain significance. Review status: criteria provided, multiple submitters, no conflicts (2 of 4 stars). 2 submissions from 2 submitters: Uncertain significance (2). Last evaluated 2026-04-19.

Conditions:
Hereditary cancer-predisposing syndrome. Also called: Neoplastic Syndromes, Hereditary; Tumor predisposition; Hereditary Cancer Syndrome; Hereditary neoplastic syndrome. Identifiers: Orphanet 140162, MedGen C0027672, MeSH D009386, MONDO:0015356.
Birt-Hogg-Dube syndrome. Also called: Birt Hogg Dubé syndrome. Identifiers: Orphanet 122, MedGen C0346010, MONDO:0800444.

Submissions (2):

Ambry Genetics
Classification: Uncertain significance for Hereditary cancer-predisposing syndrome. Last evaluated: 2026-04-19. Review status: criteria provided, single submitter. Criteria: Ambry Variant Classification Scheme 2023. Collection method: clinical testing. Allele origin: germline.
Comment: The p.Q502R variant (also known as c.1505A>G), located in coding exon 10 of the FLCN gene, results from an A to G substitution at nucleotide position 1505. The glutamine at codon 502 is replaced by arginine, an amino acid with highly similar properties. This amino acid position is conserved. In addition, this alteration is predicted to be tolerated by in silico analysis. Based on the available evidence, the clinical significance of this variant remains unclear.

Labcorp Genetics (formerly Invitae), Labcorp
Classification: Uncertain significance for Birt-Hogg-Dube syndrome. Last evaluated: 2021-12-31. Review status: criteria provided, single submitter. Criteria: Invitae Variant Classification Sherloc (09022015). Collection method: clinical testing. Allele origin: germline.
Comment: In summary, the available evidence is currently insufficient to determine the role of this variant in disease. Therefore, it has been classified as a Variant of Uncertain Significance. Algorithms developed to predict the effect of missense changes on protein structure and function (SIFT, PolyPhen-2, Align-GVGD) all suggest that this variant is likely to be tolerated. This variant has not been reported in the literature in individuals affected with FLCN-related conditions. This variant is not present in population databases (gnomAD no frequency). This sequence change replaces glutamine, which is neutral and polar, with arginine, which is basic and polar, at codon 502 of the FLCN protein (p.Gln502Arg).

NM_144997.7(FLCN):c.1505A>G (p.Gln502Arg)

Gene: FLCN (folliculin; minus strand). Cytogenetic location: 17p11.2.
Variant type: single nucleotide variant.
Coding change: c.1505A>G on transcript NM_144997.7 (MANE Select); coding-DNA position 1505, A replaced by G.
Protein change: p.Gln502Arg; replaces glutamine 502 with arginine.
Molecular consequence: missense variant.
Genome position (GRCh38, 1-based): chr17:17,215,018, T>C on the plus strand (A>G on the coding strand, the complement: FLCN is on the minus strand). VCF-style: chr17-17215018-T-C. GRCh37 (hg19) VCF-style: chr17-17118332-T-C.
Other names: c.1559A>G, p.Gln520Arg (NM_001353229.2); c.1505A>G, p.Gln502Arg (NM_001353230.2, NM_001353231.2); short protein forms Q502R, Q520R.
Identifiers: ClinVar variation 2067588 (VCV002067588.5), dbSNP rs2544141117, ClinGen allele CA398530799.